The following is an entry in ClinVar:

ClinVar aggregate classification (germline): Uncertain significance. Review status: criteria provided, multiple submitters, no conflicts (2 of 4 stars). 2 submissions from 2 submitters: Uncertain significance (2). Last evaluated 2024-12-10.

Conditions:
Primary ciliary dyskinesia. Also called: Ciliary dyskinesia. Identifiers: Orphanet 244, MedGen C0008780, MONDO:0016575, HP:0012265.

Allele frequency attached by ClinVar (database versions not stated): gnomAD exomes 0.00001; gnomAD 0.00003.
gnomAD v4.1: 32 of 1,532,456 alleles (0.0021%); highest among the groups gnomAD compares: Non-Finnish European, 0.0028%; no homozygotes.

Submissions (2):

Ambry Genetics
Classification: Uncertain significance for Primary ciliary dyskinesia. Last evaluated: 2024-12-10. Review status: criteria provided, single submitter. Criteria: Ambry Variant Classification Scheme 2023. Collection method: clinical testing. Allele origin: germline.

Labcorp Genetics (formerly Invitae), Labcorp
Classification: Uncertain significance for Primary ciliary dyskinesia. Last evaluated: 2022-02-14. Review status: criteria provided, single submitter. Criteria: Invitae Variant Classification Sherloc (09022015). Collection method: clinical testing. Allele origin: germline.
Comment: This sequence change replaces valine, which is neutral and non-polar, with phenylalanine, which is neutral and non-polar, at codon 412 of the DNAAF2 protein (p.Val412Phe). The frequency data for this variant in the population databases is considered unreliable, as metrics indicate poor data quality at this position in the gnomAD database. This variant has not been reported in the literature in individuals affected with DNAAF2-related conditions. Algorithms developed to predict the effect of missense changes on protein structure and function output the following: SIFT: "Tolerated"; PolyPhen-2: "Benign"; Align-GVGD: "Class C0". The phenylalanine amino acid residue is found in multiple mammalian species, which suggests that this missense change does not adversely affect protein function. In summary, the available evidence is currently insufficient to determine the role of this variant in disease. Therefore, it has been classified as a Variant of Uncertain Significance.

NM_018139.3(DNAAF2):c.1234G>T (p.Val412Phe)

Genes: DNAAF2 (dynein axonemal assembly factor 2; minus strand), LOC130055542 (ATAC-STARR-seq lymphoblastoid silent region 5699; plus strand). Cytogenetic location: 14q21.3.
Variant type: single nucleotide variant.
Coding change: c.1234G>T on transcript NM_018139.3 (MANE Select); coding-DNA position 1234, G replaced by T.
Protein change: p.Val412Phe; replaces valine 412 with phenylalanine.
Molecular consequence: missense variant. On other transcripts: 5 prime UTR variant (1).
Genome position (GRCh38, 1-based): chr14:49,633,916, C>A on the plus strand (G>T on the coding strand, the complement: DNAAF2 is on the minus strand). VCF-style: chr14-49633916-C-A. GRCh37 (hg19) VCF-style: chr14-50100634-C-A.
Other names: c.1234G>T, p.Val412Phe (NM_001083908.2); c.-638G>T (NM_001378453.1); c.1234G>T (NM_018139.2); short protein forms V412F.
Identifiers: ClinVar variation 1404260 (VCV001404260.7), dbSNP rs779297300, ClinGen allele CA7172948.
Genomic context (GRCh38, chr14:49,633,916, plus strand): 5'-CACGCTCCTCTCCAGCTGCGGCCGGCGGAGGCGCCACCTCCGGGTCGCCCAGGGTGGTGA[C>A]CCCGGAGCCCGCAGCCCCAGCCACGCAGGTATCGTGGCCTCCGTCCTCCGCGCGACTCCT-3'
Protein context (NP_060609.2, residues 402-422): TCVAGAAGSG[Val412Phe]TTLGDPEVAP